The following is an entry in ClinVar:

NM_198253.3(TERT):c.1715G>A (p.Arg572Lys)

Gene: TERT (telomerase reverse transcriptase; minus strand). Cytogenetic location: 5p15.33.
Variant type: single nucleotide variant.
Coding change: c.1715G>A on transcript NM_198253.3 (MANE Select); coding-DNA position 1715, G replaced by A.
Protein change: p.Arg572Lys; replaces arginine 572 with lysine.
Molecular consequence: missense variant. On other transcripts: non-coding transcript variant (2).
Genome position (GRCh38, 1-based): chr5:1,282,483, C>T on the plus strand (G>A on the coding strand, the complement: TERT is on the minus strand). VCF-style: chr5-1282483-C-T. GRCh37 (hg19) VCF-style: chr5-1282598-C-T.
Other names: c.1715G>A, p.Arg572Lys (NM_001193376.3, NM_003219.1); short protein forms R572K.
Identifiers: ClinVar variation 1778622 (VCV001778622.8), dbSNP rs2478305057, ClinGen allele CA359082969.
Genomic context (GRCh38, chr5:1,282,483, plus strand): 5'-CAGTACCTGATTCCAATGCTTTGCAACTTGCTCCAGACACTCTTCCGGTAGAAAAAGAGC[C>T]TGTTCTTTTGAAACGTGGTCTCCGTGACATAAAAGAAAGACCTGAGCAGCTCGACGACGT-3'
Protein context (NP_937983.2, residues 562-582): YVTETTFQKN[Arg572Lys]LFFYRKSVWS

ClinVar aggregate classification (germline): Uncertain significance. Review status: criteria provided, multiple submitters, no conflicts (2 of 4 stars). 3 submissions from 3 submitters: Uncertain significance (3). Last evaluated 2025-10-20.

Conditions:
Dyskeratosis congenita. Identifiers: Orphanet 1775, MedGen C0265965, MONDO:0015780.
Dyskeratosis congenita, autosomal dominant 2. Identifiers: MedGen C3151443, MONDO:0013521, OMIM 613989.
Idiopathic Pulmonary Fibrosis. Also called: Idiopathic fibrosing alveolitis, chronic form; idiopathic fibrosing alveolitis. Identifiers: Orphanet 2032, MedGen C1800706, MeSH D054990, MONDO:0800504.

Allele frequency attached by ClinVar (database versions not stated): gnomAD exomes below 0.00001.
gnomAD v4.1: 1 of 1,614,190 alleles (0.000062%); highest among the groups gnomAD compares: Non-Finnish European, 0.000085%; no homozygotes.

Submissions (3):

Labcorp Genetics (formerly Invitae), Labcorp
Classification: Uncertain significance for Dyskeratosis congenita, autosomal dominant 2; Idiopathic Pulmonary Fibrosis. Last evaluated: 2025-10-20. Review status: criteria provided, single submitter. Criteria: Invitae Variant Classification Sherloc (09022015). Collection method: clinical testing. Allele origin: germline.
Comment: This sequence change replaces arginine, which is basic and polar, with lysine, which is basic and polar, at codon 572 of the TERT protein (p.Arg572Lys). This variant is not present in population databases (gnomAD no frequency). This variant has not been reported in the literature in individuals affected with TERT-related conditions. ClinVar contains an entry for this variant (Variation ID: 1778622). Invitae Evidence Modeling of protein sequence and biophysical properties (such as structural, functional, and spatial information, amino acid conservation, physicochemical variation, residue mobility, and thermodynamic stability) has been performed for this missense variant. However, the output from this modeling did not meet the statistical confidence thresholds required to predict the impact of this variant on TERT protein function. In summary, the available evidence is currently insufficient to determine the role of this variant in disease. Therefore, it has been classified as a Variant of Uncertain Significance.

Baylor Genetics
Classification: Uncertain significance for Dyskeratosis congenita, autosomal dominant 2. Last evaluated: 2024-03-14. Review status: criteria provided, single submitter. Criteria: ACMG Guidelines, 2015. Collection method: clinical testing. Allele origin: unknown.

Ambry Genetics
Classification: Uncertain significance for Dyskeratosis congenita. Last evaluated: 2022-10-24. Review status: criteria provided, single submitter. Criteria: Ambry Variant Classification Scheme 2023. Collection method: clinical testing. Allele origin: germline.
Comment: The p.R572K variant (also known as c.1715G>A), located in coding exon 3 of the TERT gene, results from a G to A substitution at nucleotide position 1715. The arginine at codon 572 is replaced by lysine, an amino acid with highly similar properties. This amino acid position is conserved. In addition, this alteration is predicted to be tolerated by in silico analysis. Since supporting evidence is limited at this time, the clinical significance of this alteration remains unclear.